The following is an entry in ClinVar:

ClinVar aggregate classification (germline): Uncertain significance. Review status: criteria provided, multiple submitters, no conflicts (2 of 4 stars). 2 submissions from 2 submitters: Uncertain significance (2). Last evaluated 2024-10-02.

Conditions:
Hereditary nonpolyposis colorectal neoplasms. Identifiers: MedGen C0009405, MeSH D003123.
Hereditary cancer-predisposing syndrome. Also called: Neoplastic Syndromes, Hereditary; Tumor predisposition; Hereditary Cancer Syndrome; Hereditary neoplastic syndrome. Identifiers: Orphanet 140162, MedGen C0027672, MeSH D009386, MONDO:0015356.

Submissions (2):

Labcorp Genetics (formerly Invitae), Labcorp
Classification: Uncertain significance for Hereditary nonpolyposis colorectal neoplasms. Last evaluated: 2024-10-02. Review status: criteria provided, single submitter. Criteria: Invitae Variant Classification Sherloc (09022015). Collection method: clinical testing. Allele origin: germline.
Comment: This sequence change replaces proline, which is neutral and non-polar, with serine, which is neutral and polar, at codon 540 of the PMS2 protein (p.Pro540Ser). This variant is not present in population databases (gnomAD no frequency). This variant has not been reported in the literature in individuals affected with PMS2-related conditions. ClinVar contains an entry for this variant (Variation ID: 1776538). Invitae Evidence Modeling of protein sequence and biophysical properties (such as structural, functional, and spatial information, amino acid conservation, physicochemical variation, residue mobility, and thermodynamic stability) indicates that this missense variant is not expected to disrupt PMS2 protein function with a negative predictive value of 80%. In summary, the available evidence is currently insufficient to determine the role of this variant in disease. Therefore, it has been classified as a Variant of Uncertain Significance.

Ambry Genetics
Classification: Uncertain significance for Hereditary cancer-predisposing syndrome. Last evaluated: 2021-01-25. Review status: criteria provided, single submitter. Criteria: Ambry Variant Classification Scheme 2023. Collection method: clinical testing. Allele origin: germline.
Comment: The p.P540S variant (also known as c.1618C>T), located in coding exon 11 of the PMS2 gene, results from a C to T substitution at nucleotide position 1618. The proline at codon 540 is replaced by serine, an amino acid with similar properties. This amino acid position is not well conserved in available vertebrate species. In addition, this alteration is predicted to be tolerated by in silico analysis. Since supporting evidence is limited at this time, the clinical significance of this alteration remains unclear.

NM_000535.7(PMS2):c.1618C>T (p.Pro540Ser)

Gene: PMS2 (PMS1 homolog 2, mismatch repair system component; minus strand). Cytogenetic location: 7p22.1.
Variant type: single nucleotide variant.
Coding change: c.1618C>T on transcript NM_000535.7 (MANE Select); coding-DNA position 1618, C replaced by T.
Protein change: p.Pro540Ser; replaces proline 540 with serine.
Molecular consequence: missense variant. On other transcripts: non-coding transcript variant (1).
Genome position (GRCh38, 1-based): chr7:5,987,147, G>A on the plus strand (C>T on the coding strand, the complement: PMS2 is on the minus strand). VCF-style: chr7-5987147-G-A. GRCh37 (hg19) VCF-style: chr7-6026778-G-A.
Other names: c.1213C>T, p.Pro405Ser (NM_001018040.1, NM_001322003.2, NM_001322004.2 and 17 more transcripts); c.1462C>T, p.Pro488Ser (NM_001322006.2, NM_001406870.1); c.1300C>T, p.Pro434Ser (NM_001322007.2, NM_001322008.2, NM_001406876.1 and 2 more transcripts); c.1057C>T, p.Pro353Ser (NM_001322010.2, NM_001406906.1, NM_001406907.1); c.685C>T, p.Pro229Ser (NM_001322011.2, NM_001322012.2); c.1045C>T, p.Pro349Ser (NM_001322013.2, NM_001406909.1); c.1618C>T, p.Pro540Ser (NM_001322014.2, NM_001406871.1, NM_001406872.1); c.1309C>T, p.Pro437Ser (NM_001322015.2, NM_001406875.1, NM_001406877.1 and 5 more transcripts); and 12 more; short protein forms P382S, P385S, P418S, P432S, P434S, P349S, P405S, P548S.
Identifiers: ClinVar variation 1776538 (VCV001776538.4), dbSNP rs63750535, ClinGen allele CA366741469.